The following is an entry in ClinVar:

ClinVar aggregate classification (germline): Likely pathogenic (1 of 4 stars; one submission).

Conditions:
Developmental and epileptic encephalopathy, 62. Also called: Early infantile epileptic encephalopathy 62. Identifiers: MedGen C4693699, MONDO:0033371, OMIM 617938.

Submission:

Institute of Human Genetics, University of Leipzig Medical Center
Classification: Likely pathogenic for Developmental and epileptic encephalopathy, 62. Last evaluated: 2026-05-13. Review status: criteria provided, single submitter. Criteria: ACMG Guidelines, 2015. Collection method: clinical testing. Allele origin: unknown. Inheritance: Autosomal dominant inheritance. Affected: yes.
Comment: Criteria applied: PM1,PP3_MOD,PM2_SUP,PM5_SUP

NM_006922.4(SCN3A):c.4922T>C (p.Ile1641Thr)

Gene: SCN3A (sodium voltage-gated channel alpha subunit 3; minus strand). Cytogenetic location: 2q24.3.
Variant type: single nucleotide variant.
Coding change: c.4922T>C on transcript NM_006922.4 (MANE Select); coding-DNA position 4922, T replaced by C.
Protein change: p.Ile1641Thr; replaces isoleucine 1641 with threonine.
Molecular consequence: missense variant.
Genome position (GRCh38, 1-based): chr2:165,091,231, A>G on the plus strand (T>C on the coding strand, the complement: SCN3A is on the minus strand). VCF-style: chr2-165091231-A-G. GRCh37 (hg19) VCF-style: chr2-165947741-A-G.
Other names: c.4775T>C, p.Ile1592Thr (NM_001081676.2, NM_001081677.2); short protein forms I1592T, I1641T.
Identifiers: ClinVar variation 4857468 (VCV004857468.1).